The following is an entry in ClinVar:

ClinVar aggregate classification (germline): Uncertain significance (1 of 4 stars; one submission).

Conditions:
Gastrointestinal stromal tumor. Also called: Gastrointestinal stromal tumor, somatic; Gastrointestinal stroma tumor. Identifiers: Orphanet 44890, MedGen C0238198, MeSH D046152, MONDO:0011719, OMIM 606764, HP:0100723.

Submission:

Labcorp Genetics (formerly Invitae), Labcorp
Classification: Uncertain significance for Gastrointestinal stromal tumor. Last evaluated: 2024-03-15. Review status: criteria provided, single submitter. Criteria: Invitae Variant Classification Sherloc (09022015). Collection method: clinical testing. Allele origin: germline.
Comment: This sequence change affects codon 813 of the PDGFRA mRNA. It is a 'silent' change, meaning that it does not change the encoded amino acid sequence of the PDGFRA protein. It affects a nucleotide within the consensus splice site. This variant is present in population databases (no rsID available, gnomAD 0.003%). This variant has not been reported in the literature in individuals affected with PDGFRA-related conditions. Algorithms developed to predict the effect of sequence changes on RNA splicing suggest that this variant is not likely to affect RNA splicing. In summary, the available evidence is currently insufficient to determine the role of this variant in disease. Therefore, it has been classified as a Variant of Uncertain Significance.

NM_006206.6(PDGFRA):c.2439T>C (p.Asn813=)

Gene: PDGFRA (platelet derived growth factor receptor alpha; plus strand). Cytogenetic location: 4q12.
Variant type: single nucleotide variant.
Coding change: c.2439T>C on transcript NM_006206.6 (MANE Select); coding-DNA position 2439, T replaced by C.
Protein change: p.Asn813=; no amino-acid change (asparagine 813 retained).
Molecular consequence: synonymous variant.
Genome position (GRCh38, 1-based): chr4:54,285,486, T>C. VCF-style: chr4-54285486-T-C. GRCh37 (hg19) VCF-style: chr4-55151653-T-C.
Other names: c.2514T>C, p.Asn838= (NM_001347828.2); c.2439T>C, p.Asn813= (NM_001347829.2); c.2478T>C, p.Asn826= (NM_001347830.2).
Identifiers: ClinVar variation 3609360 (VCV003609360.2).